The following is an entry in ClinVar:

ClinVar aggregate classification (germline): Uncertain significance (1 of 4 stars; one submission).

Conditions:
Adams-Oliver syndrome 5 (AOS5). Identifiers: Orphanet 974, MedGen C4014970, MONDO:0014459, OMIM 616028.

Submission:

Labcorp Genetics (formerly Invitae), Labcorp
Classification: Uncertain significance for Adams-Oliver syndrome 5. Last evaluated: 2018-06-07. Review status: criteria provided, single submitter. Criteria: Invitae Variant Classification Sherloc (09022015). Collection method: clinical testing. Allele origin: germline.
Comment: This sequence change replaces glutamic acid with glutamine at codon 1084 of the NOTCH1 protein (p.Glu1084Gln). The glutamic acid residue is highly conserved and there is a small physicochemical difference between glutamic acid and glutamine. This variant is not present in population databases (ExAC no frequency). This variant has not been reported in the literature in individuals with NOTCH1-related disease. Algorithms developed to predict the effect of missense changes on protein structure and function (SIFT, PolyPhen-2, Align-GVGD) all suggest that this variant is likely to be tolerated, but these predictions have not been confirmed by published functional studies and their clinical significance is uncertain. In summary, the available evidence is currently insufficient to determine the role of this variant in disease. Therefore, it has been classified as a Variant of Uncertain Significance.

NM_017617.5(NOTCH1):c.3250G>C (p.Glu1084Gln)

Gene: NOTCH1 (notch receptor 1; minus strand). Cytogenetic location: 9q34.3.
Variant type: single nucleotide variant.
Coding change: c.3250G>C on transcript NM_017617.5 (MANE Select); coding-DNA position 3250, G replaced by C.
Protein change: p.Glu1084Gln; replaces glutamic acid 1084 with glutamine.
Molecular consequence: missense variant.
Genome position (GRCh38, 1-based): chr9:136,508,307, C>G on the plus strand (G>C on the coding strand, the complement: NOTCH1 is on the minus strand). VCF-style: chr9-136508307-C-G. GRCh37 (hg19) VCF-style: chr9-139402759-C-G.
Other names: c.3250G>C, p.Glu1084Gln (LRG_1122t1); short protein forms E1084Q.
Identifiers: ClinVar variation 578656 (VCV000578656.8), dbSNP rs766361207, ClinGen allele CA375552149.